The following is an entry in ClinVar:

NM_022124.6(CDH23):c.8309-3C>A

Gene: CDH23 (cadherin related 23; plus strand). Cytogenetic location: 10q22.1.
Variant type: single nucleotide variant.
Coding change: c.8309-3C>A on transcript NM_022124.6 (MANE Select); 3 bases into the intron before coding-DNA position 8309, C replaced by A.
Molecular consequence: intron variant.
Genome position (GRCh38, 1-based): chr10:71,807,513, C>A. VCF-style: chr10-71807513-C-A. GRCh37 (hg19) VCF-style: chr10-73567270-C-A.
Other names: c.1589-3C>A (NM_001171933.1, NM_001171934.1).
Identifiers: ClinVar variation 2023742 (VCV002023742.4), dbSNP rs371910002, ClinGen allele CA2580081841.

ClinVar aggregate classification (germline): Uncertain significance (1 of 4 stars; one submission).

Submission:

Labcorp Genetics (formerly Invitae), Labcorp
Classification: Uncertain significance. Last evaluated: 2024-12-02. Review status: criteria provided, single submitter. Criteria: Invitae Variant Classification Sherloc (09022015). Collection method: clinical testing. Allele origin: germline.
Comment: This sequence change falls in intron 58 of the CDH23 gene. It does not directly change the encoded amino acid sequence of the CDH23 protein. It affects a nucleotide within the consensus splice site. This variant is not present in population databases (gnomAD no frequency). This variant has not been reported in the literature in individuals affected with CDH23-related conditions. ClinVar contains an entry for this variant (Variation ID: 2023742). Variants that disrupt the consensus splice site are a relatively common cause of aberrant splicing (PMID: 17576681, 9536098). Algorithms developed to predict the effect of sequence changes on RNA splicing suggest that this variant may disrupt the consensus splice site. In summary, the available evidence is currently insufficient to determine the role of this variant in disease. Therefore, it has been classified as a Variant of Uncertain Significance.

Literature cited by the submitters: PubMed 17576681; PubMed 9536098.